The following is an entry in ClinVar:

NM_000088.4(COL1A1):c.2424del (p.Gly809fs)

Gene: COL1A1 (collagen type I alpha 1 chain; minus strand). Cytogenetic location: 17q21.33.
Variant type: Deletion.
Coding change: c.2424del on transcript NM_000088.4 (MANE Select); coding-DNA position 2424, one base deleted (C; older notation c.2424delC).
Protein change: p.Gly809fs; shifts the reading frame from glycine 809.
Molecular consequence: frameshift variant.
Genome position (GRCh38, 1-based): chr17:50,190,354, G deleted on the plus strand (C on the coding strand, the reverse complement: COL1A1 is on the minus strand); the first of 6 consecutive G bases (chr17:50,190,354-50,190,359); deleting any one gives the same sequence. VCF-style (leftmost placement, unchanged base first): chr17-50190353-CG-C. GRCh37 (hg19) VCF-style: chr17-48267714-CG-C.
Other names: c.2424delC (NM_000088.3); short protein forms G809fs.
Identifiers: ClinVar variation 580032 (VCV000580032.14), dbSNP rs1114167391, ClinGen allele CA500845613.

ClinVar aggregate classification (germline): Pathogenic. Review status: criteria provided, multiple submitters, no conflicts (2 of 4 stars). 3 submissions from 3 submitters: Pathogenic (3). Last evaluated 2025-05-23.

Conditions:
Osteogenesis imperfecta type I (OI1). Also called: Lobstein disease; Osteogenesis imperfecta type 1; OI, TYPE I; OSTEOGENESIS IMPERFECTA TARDA; OSTEOGENESIS IMPERFECTA WITH BLUE SCLERAE; Lobstein's Disease. Identifiers: Orphanet 216796, Orphanet 666, MedGen C0023931, MONDO:0008146, OMIM 166200. Disease mechanism: loss of function.

Submissions (3):

Clinical Biomedical Laboratory, Shriners Hospital For Children - Canada
Classification: Pathogenic for Osteogenesis imperfecta type I. Last evaluated: 2025-05-23. Review status: criteria provided, single submitter. Criteria: ACMG Guidelines, 2015. Collection method: clinical testing. Allele origin: germline. Affected: yes.
Comment: A heterozygous change in exon 35 of COL1A1 was detected in the submitted sample. Variants predicted to introduce premature termination codons lead to degradation of the affected transcript and haploinsufficiency of the alpha 1 chain of collagen type I. COL1A1 haploinsufficiency are a typical cause of OI type I. This variant is predicted to substitute a glycine residue by an alanine residue, introduce a frameshift resulting in an abnormal stop codon 299 amino acids downstream. This stop codon is expected to lead to degradation of the affected mRNA transcript. This variant is absent from the Genome Aggregation Database (v2.1.1). This variant has been reported in the literature (PMID 21667357;9443882). We have not observed this variant in the Shriners Hospital for

Equipe Genetique des Anomalies du Developpement, Université de Bourgogne
Classification: Pathogenic for Osteogenesis imperfecta type I. Last evaluated: 2024-09-10. Review status: criteria provided, single submitter. Criteria: ACMG Guidelines, 2015. Collection method: clinical testing. Allele origin: germline. Affected: yes.
Comment: This deletion causes a shift in the reading frame resulting in a premature stop codon. Loss of function variants in the gene COL1A1 are a known mechanism of disease. In gnomAD exomes, this variant has been reported 4 times (v4.1.0). This variant has been previously reported as pathogenic in ClinVar (VCV000580032.9). This variant has been reported in literature in patients presenting with osteogenesis imperfecta (PMID: 21667357). According to the available evidence, this variant is considered to be pathogenic.

Labcorp Genetics (formerly Invitae), Labcorp
Classification: Pathogenic for Osteogenesis imperfecta type I. Last evaluated: 2023-04-22. Review status: criteria provided, single submitter. Criteria: Invitae Variant Classification Sherloc (09022015). Collection method: clinical testing. Allele origin: germline.
Comment: This sequence change creates a premature translational stop signal (p.Gly809Alafs*299) in the COL1A1 gene. It is expected to result in an absent or disrupted protein product. Loss-of-function variants in COL1A1 are known to be pathogenic (PMID: 7942841, 9295084, 9443882). This variant is not present in population databases (gnomAD no frequency). This premature translational stop signal has been observed in individual(s) with osteogenesis imperfecta, type I (PMID: 21667357). ClinVar contains an entry for this variant (Variation ID: 580032). For these reasons, this variant has been classified as Pathogenic.

Literature cited by the submitters: PubMed 21667357 (cited by 3 submitters); PubMed 9443882 (cited by Clinical Biomedical Laboratory, Shriners Hospital For Children - Canada and Labcorp Genetics (formerly Invitae), Labcorp); PubMed 7942841 (cited by Labcorp Genetics (formerly Invitae), Labcorp); PubMed 9295084 (cited by Labcorp Genetics (formerly Invitae), Labcorp).